The following is an entry in ClinVar:

NM_005751.5(AKAP9):c.6696A>G (p.Gln2232=)

Gene: AKAP9 (A-kinase anchoring protein 9; plus strand). Cytogenetic location: 7q21.2.
Variant type: single nucleotide variant.
Coding change: c.6696A>G on transcript NM_005751.5 (MANE Select); coding-DNA position 6696, A replaced by G.
Protein change: p.Gln2232=; no amino-acid change (glutamine 2232 retained).
Molecular consequence: synonymous variant.
Genome position (GRCh38, 1-based): chr7:92,076,938, A>G. VCF-style: chr7-92076938-A-G. GRCh37 (hg19) VCF-style: chr7-91706252-A-G.
Other names: c.1341A>G, p.Gln447= (NM_001379277.1); c.6672A>G, p.Gln2224= (NM_147185.3).
Identifiers: ClinVar variation 264046 (VCV000264046.44), dbSNP rs147194783, ClinGen allele CA4337146.
Genomic context (GRCh38, chr7:92,076,938, plus strand): 5'-AGAACAGTTTAGAGAAGAACTGGAAAATAAGAATGAAGAAGTTCAACAATTACATATGCA[A>G]TTAGAAATACAGAAAAAGGAATCTACTACCCGCCTACAAGAACTTGAACAGGAAAACAAA-3'
Protein context (NP_005742.4, residues 2222-2242): KNEEVQQLHM[Gln2232=]LEIQKKESTT

ClinVar aggregate classification (germline): Benign/Likely benign. Review status: criteria provided, multiple submitters, no conflicts (2 of 4 stars). 7 submissions from 7 submitters: Benign (5); Likely benign (2). Last evaluated 2026-01-12.

Conditions:
Cardiovascular phenotype. Identifiers: MedGen CN230736.
Long QT syndrome (LQTS). Identifiers: MedGen C0023976, MeSH D008133, MONDO:0002442. Disease mechanism: loss of function. Inheritance: Various modes of inheritance.
Long QT syndrome 11 (LQT11). Identifiers: Orphanet 101016, Orphanet 768, MedGen C2678483, MONDO:0012738, OMIM 611820.

Allele frequency attached by ClinVar (database versions not stated): ESP Exome Variant Server 0.00015; TOPMed 0.00025; gnomAD exomes 0.00065 and 0.00069; ExAC 0.00082; 1000 Genomes Project 30x 0.00094; 1000 Genomes Project 0.00100.
gnomAD v4.1: 1,025 of 1,567,536 alleles (0.065%); highest among the groups gnomAD compares: South Asian, 0.32%; 3 homozygotes.

Submissions (7):

Women's Health and Genetics/Laboratory Corporation of America, LabCorp
Classification: Benign. Last evaluated: 2026-01-12. Review status: criteria provided, single submitter. Criteria: LabCorp Variant Classification Summary - May 2015. Collection method: clinical testing. Allele origin: germline.

Labcorp Genetics (formerly Invitae), Labcorp
Classification: Benign for Long QT syndrome. Last evaluated: 2025-12-17. Review status: criteria provided, single submitter. Criteria: Invitae Variant Classification Sherloc (09022015). Collection method: clinical testing. Allele origin: germline.

Blueprint Genetics
Classification: Likely benign. Last evaluated: 2024-11-25. Review status: criteria provided, single submitter. Criteria: ACMG Guidelines, 2015. Collection method: clinical testing. Allele origin: germline.

CeGaT Center for Human Genetics Tuebingen
Classification: Benign. Last evaluated: 2022-09-01. Review status: criteria provided, single submitter. Criteria: CeGaT Center For Human Genetics Tuebingen Variant Classification Criteria Version 2. Collection method: clinical testing. Allele origin: germline. Affected: yes. Observed: 2 variant alleles.
Comment: AKAP9: BS1, BS2

Genome-Nilou Lab
Classification: Benign for Long QT syndrome 11. Last evaluated: 2021-12-05. Review status: criteria provided, single submitter. Criteria: ACMG Guidelines, 2015. Collection method: clinical testing. Allele origin: germline. Affected: no.

Ambry Genetics
Classification: Likely benign for Cardiovascular phenotype. Last evaluated: 2015-06-18. Review status: criteria provided, single submitter. Criteria: Ambry Variant Classification Scheme 2023. Collection method: clinical testing. Allele origin: germline.

GeneDx
Classification: Benign. Last evaluated: 2015-03-03. Review status: criteria provided, single submitter. Criteria: GeneDx Variant Classification Process June 2021. Collection method: clinical testing. Allele origin: germline. Affected: yes.